The following is an entry in ClinVar:

NM_020433.5(JPH2):c.409A>T (p.Met137Leu)

Gene: JPH2 (junctophilin 2; minus strand). Cytogenetic location: 20q13.12.
Variant type: single nucleotide variant.
Coding change: c.409A>T on transcript NM_020433.5 (MANE Select); coding-DNA position 409, A replaced by T.
Protein change: p.Met137Leu; replaces methionine 137 with leucine.
Molecular consequence: missense variant.
Genome position (GRCh38, 1-based): chr20:44,160,378, T>A on the plus strand (A>T on the coding strand, the complement: JPH2 is on the minus strand). VCF-style: chr20-44160378-T-A. GRCh37 (hg19) VCF-style: chr20-42789018-T-A.
Other names: short protein forms M137L.
Identifiers: ClinVar variation 2914180 (VCV002914180.4), dbSNP rs1353491705, ClinGen allele CA409094442.

ClinVar aggregate classification (germline): Uncertain significance. Review status: criteria provided, multiple submitters, no conflicts (2 of 4 stars). 2 submissions from 2 submitters: Uncertain significance (2). Last evaluated 2024-01-23.

Conditions:
Cardiovascular phenotype. Identifiers: MedGen CN230736.
Hypertrophic cardiomyopathy. Also called: HYPERTROPHIC MYOCARDIOPATHY. Identifiers: Orphanet 217569, MedGen C0007194, MeSH D002312, MONDO:0005045, HP:0001639.

Submissions (2):

Ambry Genetics
Classification: Uncertain significance for Cardiovascular phenotype. Last evaluated: 2024-01-23. Review status: criteria provided, single submitter. Criteria: Ambry Variant Classification Scheme 2023. Collection method: clinical testing. Allele origin: germline.
Comment: The p.M137L variant (also known as c.409A>T), located in coding exon 2 of the JPH2 gene, results from an A to T substitution at nucleotide position 409. The methionine at codon 137 is replaced by leucine, an amino acid with highly similar properties. This amino acid position is conserved. In addition, this alteration is predicted to be tolerated by in silico analysis. Based on the available evidence, the clinical significance of this alteration remains unclear.

Labcorp Genetics (formerly Invitae), Labcorp
Classification: Uncertain significance for Hypertrophic cardiomyopathy. Last evaluated: 2023-12-19. Review status: criteria provided, single submitter. Criteria: Invitae Variant Classification Sherloc (09022015). Collection method: clinical testing. Allele origin: germline.
Comment: This sequence change replaces methionine, which is neutral and non-polar, with leucine, which is neutral and non-polar, at codon 137 of the JPH2 protein (p.Met137Leu). This variant is present in population databases (no rsID available, gnomAD 0.006%). This variant has not been reported in the literature in individuals affected with JPH2-related conditions. An algorithm developed to predict the effect of missense changes on protein structure and function (PolyPhen-2) suggests that this variant is likely to be disruptive. In summary, the available evidence is currently insufficient to determine the role of this variant in disease. Therefore, it has been classified as a Variant of Uncertain Significance.